The following is an entry in ClinVar:

ClinVar aggregate classification (germline): Pathogenic (1 of 4 stars; one submission).

Submission:

Labcorp Genetics (formerly Invitae), Labcorp
Classification: Pathogenic. Last evaluated: 2024-01-22. Review status: criteria provided, single submitter. Criteria: Invitae Variant Classification Sherloc (09022015). Collection method: clinical testing. Allele origin: germline.
Comment: This sequence change creates a premature translational stop signal (p.Ala1418Valfs*10) in the EYS gene. It is expected to result in an absent or disrupted protein product. Loss-of-function variants in EYS are known to be pathogenic (PMID: 18836446, 20333770). This variant is not present in population databases (gnomAD no frequency). This variant has not been reported in the literature in individuals affected with EYS-related conditions. For these reasons, this variant has been classified as Pathogenic.

Literature cited by the submitters: PubMed 18836446; PubMed 20333770.

NM_001142800.2(EYS):c.4253del (p.Ala1418fs)

Gene: EYS (EGF-like photoreceptor maintenance factor; minus strand). Cytogenetic location: 6q12.
Variant type: Deletion.
Coding change: c.4253del on transcript NM_001142800.2 (MANE Select); coding-DNA position 4253, one base deleted (C; older notation c.4253delC).
Protein change: p.Ala1418fs; shifts the reading frame from alanine 1418.
Molecular consequence: frameshift variant.
Genome position (GRCh38, 1-based): chr6:64,591,614, G deleted on the plus strand (C on the coding strand, the reverse complement: EYS is on the minus strand). VCF-style (leftmost placement, unchanged base first): chr6-64591613-AG-A. GRCh37 (hg19) VCF-style: chr6-65301506-AG-A.
Other names: c.4253del, p.Ala1418fs (NM_001292009.2); short protein forms A1418fs.
Identifiers: ClinVar variation 2856034 (VCV002856034.3), dbSNP rs2533154554, ClinGen allele CA2739273170.